The following is an entry in ClinVar:

ClinVar aggregate classification (germline): Likely benign (1 of 4 stars; one submission).

gnomAD v4.1: 189 of 1,604,558 alleles (0.012%); highest among the groups gnomAD compares: South Asian, 0.14%; no homozygotes.

Submission:

CeGaT Center for Human Genetics Tuebingen
Classification: Likely benign. Last evaluated: 2026-01-01. Review status: criteria provided, single submitter. Criteria: CeGaT Center For Human Genetics Tuebingen Variant Classification Criteria Version 2. Collection method: clinical testing. Allele origin: germline. Affected: yes. Observed: 1 variant allele.
Comment: SLC26A1: BP4, BP7

NM_022042.4(SLC26A1):c.612C>T (p.Ser204=)

Genes: IDUA (alpha-L-iduronidase; plus strand), SLC26A1 (solute carrier family 26 member 1; minus strand). Cytogenetic location: 4p16.3.
Variant type: single nucleotide variant.
Coding change: c.612C>T on transcript NM_022042.4 (MANE Select); coding-DNA position 612, C replaced by T.
Protein change: p.Ser204=; no amino-acid change (serine 204 retained).
Molecular consequence: synonymous variant. On other transcripts: intron variant (2).
Genome position (GRCh38, 1-based): chr4:990,327, G>A on the plus strand (C>T on the coding strand, the complement: SLC26A1 is on the minus strand). VCF-style: chr4-990327-G-A. GRCh37 (hg19) VCF-style: chr4-984115-G-A.
Other names: c.612C>T, p.Ser204= (NM_213613.4); c.576+801C>T (NM_134425.4); c.299+2378G>A (NM_000203.5).
Identifiers: ClinVar variation 4821086 (VCV004821086.4).